The following is an entry in ClinVar:

ClinVar aggregate classification (germline): Likely benign (1 of 4 stars; one submission).

gnomAD v4.1: 6 of 1,614,144 alleles (0.00037%); highest among the groups gnomAD compares: Non-Finnish European, 0.00051%; no homozygotes.

Submission:

Mayo Clinic Laboratories, Mayo Clinic
Classification: Likely benign. Last evaluated: 2024-12-31. Review status: criteria provided, single submitter. Criteria: ACMG Guidelines, 2015. Collection method: clinical testing. Allele origin: germline. Observed: 1 variant allele.
Comment: BP4, BP7

NM_001377137.1(GBF1):c.4614C>G (p.Leu1538=)

Gene: GBF1 (golgi brefeldin A resistant guanine nucleotide exchange factor 1; plus strand). Cytogenetic location: 10q24.32.
Variant type: single nucleotide variant.
Coding change: c.4614C>G on transcript NM_001377137.1 (MANE Select); coding-DNA position 4614, C replaced by G.
Protein change: p.Leu1538=; no amino-acid change (leucine 1538 retained).
Molecular consequence: synonymous variant. On other transcripts: non-coding transcript variant (5), intron variant (1).
Genome position (GRCh38, 1-based): chr10:102,379,403, C>G. VCF-style: chr10-102379403-C-G. GRCh37 (hg19) VCF-style: chr10-104139160-C-G.
Other names: p.Leu1537=; c.4602C>G, p.Leu1534= (NM_001199378.2, NM_001391923.1); c.4599C>G, p.Leu1533= (NM_001199379.2, NM_001391924.1, NM_001391927.1); c.4563C>G, p.Leu1521= (NM_001377138.1); c.4317C>G, p.Leu1439= (NM_001377139.1); c.4305C>G, p.Leu1435= (NM_001377140.1); c.4611C>G, p.Leu1537= (NM_001377141.1, NM_004193.3); c.4698C>G, p.Leu1566= (NM_001391922.1); and 8 more.
Identifiers: ClinVar variation 4683552 (VCV004683552.1).